The following is an entry in ClinVar:

ClinVar aggregate classification (germline): Uncertain significance (1 of 4 stars; one submission).

Conditions:
Methylcobalamin deficiency type cblE (HMAE). Also called: VITAMIN B12-RESPONSIVE HOMOCYSTINURIA, cblE TYPE; HOMOCYSTINURIA-MEGALOBLASTIC ANEMIA, cblE TYPE; HOMOCYSTINURIA-MEGALOBLASTIC ANEMIA, cblE COMPLEMENTATION TYPE. Identifiers: Orphanet 2169, Orphanet 622, MedGen C1856057, MONDO:0009354, OMIM 236270.

gnomAD v4.1: 2 of 1,614,122 alleles (0.00012%); highest among the groups gnomAD compares: African/African-American, 0.0013%; no homozygotes.

Submission:

Labcorp Genetics (formerly Invitae), Labcorp
Classification: Uncertain significance for Methylcobalamin deficiency type cblE. Last evaluated: 2023-08-10. Review status: criteria provided, single submitter. Criteria: Invitae Variant Classification Sherloc (09022015). Collection method: clinical testing. Allele origin: germline.
Comment: In summary, the available evidence is currently insufficient to determine the role of this variant in disease. Therefore, it has been classified as a Variant of Uncertain Significance. Advanced modeling of protein sequence and biophysical properties (such as structural, functional, and spatial information, amino acid conservation, physicochemical variation, residue mobility, and thermodynamic stability) has been performed at Invitae for this missense variant, however the output from this modeling did not meet the statistical confidence thresholds required to predict the impact of this variant on MTRR protein function. ClinVar contains an entry for this variant (Variation ID: 1714456). This variant has not been reported in the literature in individuals affected with MTRR-related conditions. This variant is not present in population databases (gnomAD no frequency). This sequence change replaces threonine, which is neutral and polar, with isoleucine, which is neutral and non-polar, at codon 392 of the MTRR protein (p.Thr392Ile).

NM_002454.3(MTRR):c.1175C>T (p.Thr392Ile)

Gene: MTRR (5-methyltetrahydrofolate-homocysteine methyltransferase reductase; plus strand). Cytogenetic location: 5p15.31.
Variant type: single nucleotide variant.
Coding change: c.1175C>T on transcript NM_002454.3 (MANE Select); coding-DNA position 1175, C replaced by T.
Protein change: p.Thr392Ile; replaces threonine 392 with isoleucine.
Molecular consequence: missense variant. On other transcripts: non-coding transcript variant (14).
Genome position (GRCh38, 1-based): chr5:7,889,123, C>T. VCF-style: chr5-7889123-C-T. GRCh37 (hg19) VCF-style: chr5-7889236-C-T.
Other names: c.1175C>T, p.Thr392Ile (NM_001364440.2, NM_001364441.2, NM_001364442.2 and 1 more transcripts); short protein forms T392I.
Identifiers: ClinVar variation 1714456 (VCV001714456.6), dbSNP rs759466209, ClinGen allele CA359158342.